The following is an entry in ClinVar:

ClinVar aggregate classification (germline): Pathogenic (1 of 4 stars; one submission).

Conditions:
Primary ciliary dyskinesia 11. Also called: CILIARY DYSKINESIA, PRIMARY, 11, WITHOUT SITUS INVERSUS. Identifiers: Orphanet 244, MedGen C2675229, MONDO:0012978, OMIM 612649.

Submission:

Juno Genomics, Hangzhou Juno Genomics, Inc
Classification: Pathogenic for Primary ciliary dyskinesia 11. Review status: criteria provided, single submitter. Criteria: ACMG Guidelines, 2015. Collection method: clinical testing. Allele origin: germline. Affected: yes.
Comment: Absent from controls (or at extremely low frequency if recessive) in Genome Aggregation Database.;Null variant in a gene where loss of function (LOF) is a known mechanism of disease.;Patient's phenotype or family history is highly specific for a disease with a single genetic etiology.

NM_001010892.3(RSPH4A):c.830del (p.Leu277fs)

Gene: RSPH4A (radial spoke head component 4A; plus strand). Cytogenetic location: 6q22.1.
Variant type: Deletion.
Coding change: c.830del on transcript NM_001010892.3 (MANE Select); coding-DNA position 830, one base deleted (T; older notation c.830delT).
Protein change: p.Leu277fs; shifts the reading frame from leucine 277.
Molecular consequence: frameshift variant.
Genome position (GRCh38, 1-based): chr6:116,622,911, T deleted; the last of 2 consecutive T bases (chr6:116,622,910-116,622,911); deleting either gives the same sequence. VCF-style (leftmost placement, unchanged base first): chr6-116622909-GT-G. GRCh37 (hg19) VCF-style: chr6-116944072-GT-G.
Other names: c.830del, p.Leu277fs (NM_001161664.2); short protein forms L277fs.
Identifiers: ClinVar variation 5018875 (VCV005018875.1).